The following is an entry in ClinVar:

ClinVar aggregate classification (germline): Uncertain significance. Review status: criteria provided, single submitter (1 of 4 stars). 3 submissions from 3 submitters: Uncertain significance (1). 2 of the submissions do not count toward it. Last evaluated 2021-12-17.

Conditions:
Mucopolysaccharidosis, MPS-III-B (MPS3B). Also called: SANFILIPPO SYNDROME B; MPS III B; MUCOPOLYSACCHARIDOSIS, TYPE IIIB; Mucopolysaccharidosis type IIIB (Sanfilippo B); MPS IIIB (Sanfilippo Syndrome Type B); N-ACETYL-ALPHA-D-GLUCOSAMINIDASE DEFICIENCY. Identifiers: Orphanet 79270, MedGen C0086648, MONDO:0009656, OMIM 252920.
Charcot-Marie-Tooth disease axonal type 2V. Also called: CHARCOT-MARIE-TOOTH NEUROPATHY, TYPE 2V; CHARCOT-MARIE-TOOTH DISEASE, AXONAL, AUTOSOMAL DOMINANT, TYPE 2V. Identifiers: Orphanet 447964, MedGen C5569050, MONDO:0014665, OMIM 616491.

Submissions (3):

Labcorp Genetics (formerly Invitae), Labcorp
Classification: Uncertain significance for Charcot-Marie-Tooth disease axonal type 2V; Mucopolysaccharidosis, MPS-III-B. Last evaluated: 2021-12-17. Review status: criteria provided, single submitter. Criteria: Invitae Variant Classification Sherloc (09022015). Collection method: clinical testing. Allele origin: germline.
Comment: This variant, c.20_31dup, results in the insertion of 4 amino acid(s) of the NAGLU protein (p.Ala7_Val10dup), but otherwise preserves the integrity of the reading frame. This variant is not present in population databases (gnomAD no frequency). This variant has not been reported in the literature in individuals affected with NAGLU-related conditions. ClinVar contains an entry for this variant (Variation ID: 554211). Experimental studies and prediction algorithms are not available or were not evaluated, and the functional significance of this variant is currently unknown. Algorithms developed to predict the effect of sequence changes on RNA splicing suggest that this variant may create or strengthen a splice site. In summary, the available evidence is currently insufficient to determine the role of this variant in disease. Therefore, it has been classified as a Variant of Uncertain Significance.

Natera, Inc.
Classification: Uncertain significance for Mucopolysaccharidosis type IIIB. Last evaluated: 2025-05-13. Review status: no assertion criteria provided. Collection method: clinical testing. Allele origin: germline. Not counted in ClinVar's aggregate classification.

Counsyl
Classification: Uncertain significance for Mucopolysaccharidosis, MPS-III-B. Last evaluated: 2017-09-29. Review status: no assertion criteria provided. Collection method: clinical testing. Allele origin: unknown. Not counted in ClinVar's aggregate classification.

NM_000263.4(NAGLU):c.20_31dup (p.Ala7_Val10dup)

Genes: NAGLU (N-acetyl-alpha-glucosaminidase; plus strand), LOC130060903 (ATAC-STARR-seq lymphoblastoid silent region 8533; plus strand). Cytogenetic location: 17q21.2.
Variant type: Duplication.
Coding change: c.20_31dup on transcript NM_000263.4 (MANE Select); coding-DNA positions 20 to 31, 12 bases duplicated (CCGCGGCGGTGG).
Protein change: p.Ala7_Val10dup.
Molecular consequence: inframe insertion.
Genome position (GRCh38, 1-based): chr17:42,536,292-42,536,303, CCGCGGCGGTGG duplicated; duplicating any 12 consecutive bases within chr17:42,536,284-42,536,303 gives the same sequence; the c. name uses the placement nearest the transcript's 3' end. VCF-style (leftmost placement, unchanged base first): chr17-42536283-T-TGGCGGTGGCCGC. GRCh37 (hg19) VCF-style: chr17-40688301-T-TGGCGGTGGCCGC.
Other names: c.20_31dup (NM_000263.3).
Identifiers: ClinVar variation 554211 (VCV000554211.6), dbSNP rs1555621404, ClinGen allele CA658823937.